The following is an entry in ClinVar:

ClinVar aggregate classification (germline): Uncertain significance. Review status: criteria provided, multiple submitters, no conflicts (2 of 4 stars). 3 submissions from 3 submitters: Uncertain significance (3). Last evaluated 2025-09-20.

Conditions:
Cardiovascular phenotype. Identifiers: MedGen CN230736.
Primary familial dilated cardiomyopathy (FDC). Also called: Familial dilated cardiomyopathy; Hypokinetic dilated cardiomyopathy, familial. Identifiers: Orphanet 217607, MedGen C0340427, MONDO:0016333.
Naxos disease (NXD). Also called: WOOLLY HAIR, PALMOPLANTAR KERATODERMA, AND CARDIAC ABNORMALITIES; KERATOSIS PALMOPLANTARIS WITH ARRHYTHMOGENIC CARDIOMYOPATHY; MAL DE NAXOS; PALMOPLANTAR KERATODERMA WITH ARRHYTHMOGENIC RIGHT VENTRICULAR CARDIOMYOPATHY AND WOOLLY HAIR; CARDIOMYOPATHY, ARRHYTHMOGENIC RIGHT VENTRICULAR, WITH SKIN, HAIR, AND NAIL ABNORMALITIES. Identifiers: Orphanet 34217, MedGen C1832600, MONDO:0011017, OMIM 601214.
Arrhythmogenic right ventricular dysplasia 12. Also called: ARRHYTHMOGENIC RIGHT VENTRICULAR DYSPLASIA, FAMILIAL, 12. Identifiers: MedGen C1969081, MONDO:0012684, OMIM 611528.

Allele frequency attached by ClinVar (database versions not stated): TOPMed below 0.00001.
gnomAD v4.1: 14 of 1,606,392 alleles (0.00087%); highest among the groups gnomAD compares: Non-Finnish European, 0.0012%; no homozygotes.

Submissions (3):

Labcorp Genetics (formerly Invitae), Labcorp
Classification: Uncertain significance for Arrhythmogenic right ventricular dysplasia 12; Naxos disease. Last evaluated: 2025-09-20. Review status: criteria provided, single submitter. Criteria: Invitae Variant Classification Sherloc (09022015). Collection method: clinical testing. Allele origin: germline.
Comment: This sequence change replaces histidine, which is basic and polar, with leucine, which is neutral and non-polar, at codon 541 of the JUP protein (p.His541Leu). This variant is present in population databases (rs782449369, gnomAD 0.001%). This variant has not been reported in the literature in individuals affected with JUP-related conditions. ClinVar contains an entry for this variant (Variation ID: 520526). An algorithm developed to predict the effect of missense changes on protein structure and function (PolyPhen-2) suggests that this variant is likely to be tolerated. In summary, the available evidence is currently insufficient to determine the role of this variant in disease. Therefore, it has been classified as a Variant of Uncertain Significance.

Ambry Genetics
Classification: Uncertain significance for Cardiovascular phenotype. Last evaluated: 2022-01-07. Review status: criteria provided, single submitter. Criteria: Ambry Variant Classification Scheme 2023. Collection method: clinical testing. Allele origin: germline.
Comment: The p.H541L variant (also known as c.1622A>T), located in coding exon 8 of the JUP gene, results from an A to T substitution at nucleotide position 1622. The histidine at codon 541 is replaced by leucine, an amino acid with similar properties. This amino acid position is conserved. In addition, this alteration is predicted to be tolerated by in silico analysis. Since supporting evidence is limited at this time, the clinical significance of this alteration remains unclear.

Molecular Diagnostic Laboratory for Inherited Cardiovascular Disease, Montreal Heart Institute
Classification: Uncertain significance for Primary familial dilated cardiomyopathy. Last evaluated: 2017-03-31. Review status: criteria provided, single submitter. Criteria: ACMG Guidelines, 2015. Collection method: clinical testing. Allele origin: germline. Affected: yes.

NM_002230.4(JUP):c.1622A>T (p.His541Leu)

Gene: JUP (junction plakoglobin; minus strand). Cytogenetic location: 17q21.2.
Variant type: single nucleotide variant.
Coding change: c.1622A>T on transcript NM_002230.4 (MANE Select); coding-DNA position 1622, A replaced by T.
Protein change: p.His541Leu; replaces histidine 541 with leucine.
Molecular consequence: missense variant.
Genome position (GRCh38, 1-based): chr17:41,758,746, T>A on the plus strand (A>T on the coding strand, the complement: JUP is on the minus strand). VCF-style: chr17-41758746-T-A. GRCh37 (hg19) VCF-style: chr17-39914998-T-A.
Other names: c.1622A>T, p.His541Leu (NM_001352773.2, NM_001352774.2, NM_001352775.2 and 3 more transcripts); short protein forms H541L.
Identifiers: ClinVar variation 520526 (VCV000520526.12), dbSNP rs782449369, ClinGen allele CA290696239.